The following is an entry in ClinVar:

ClinVar aggregate classification (germline): Uncertain significance (1 of 4 stars; one submission).

Allele frequency attached by ClinVar (database versions not stated): gnomAD exomes below 0.00001.
gnomAD v4.1: 3 of 1,602,012 alleles (0.00019%); highest among the groups gnomAD compares: Non-Finnish European, 0.00026%; no homozygotes.

Submission:

Labcorp Genetics (formerly Invitae), Labcorp
Classification: Uncertain significance. Last evaluated: 2024-11-05. Review status: criteria provided, single submitter. Criteria: Invitae Variant Classification Sherloc (09022015). Collection method: clinical testing. Allele origin: germline.
Comment: This sequence change replaces leucine, which is neutral and non-polar, with arginine, which is basic and polar, at codon 106 of the GUCY2C protein (p.Leu106Arg). This variant is not present in population databases (gnomAD no frequency). This variant has not been reported in the literature in individuals affected with GUCY2C-related conditions. ClinVar contains an entry for this variant (Variation ID: 2844202). Invitae Evidence Modeling of protein sequence and biophysical properties (such as structural, functional, and spatial information, amino acid conservation, physicochemical variation, residue mobility, and thermodynamic stability) indicates that this missense variant is not expected to disrupt GUCY2C protein function with a negative predictive value of 80%. In summary, the available evidence is currently insufficient to determine the role of this variant in disease. Therefore, it has been classified as a Variant of Uncertain Significance.

NM_004963.4(GUCY2C):c.317T>G (p.Leu106Arg)

Genes: GUCY2C (guanylate cyclase 2C; minus strand), GUCY2C-AS1 (GUCY2C antisense RNA 1; plus strand). Cytogenetic location: 12p12.3.
Variant type: single nucleotide variant.
Coding change: c.317T>G on transcript NM_004963.4 (MANE Select); coding-DNA position 317, T replaced by G.
Protein change: p.Leu106Arg; replaces leucine 106 with arginine.
Molecular consequence: missense variant.
Genome position (GRCh38, 1-based): chr12:14,687,964, A>C on the plus strand (T>G on the coding strand, the complement: GUCY2C is on the minus strand). VCF-style: chr12-14687964-A-C. GRCh37 (hg19) VCF-style: chr12-14840898-A-C.
Other names: short protein forms L106R.
Identifiers: ClinVar variation 2844202 (VCV002844202.3), dbSNP rs1160797929, ClinGen allele CA384006967.